The following is an entry in ClinVar:

NM_022078.3(GPATCH3):c.701A>G (p.Asn234Ser)

Gene: GPATCH3 (G-patch domain containing 3; minus strand). Cytogenetic location: 1p36.11.
Variant type: single nucleotide variant.
Coding change: c.701A>G on transcript NM_022078.3 (MANE Select); coding-DNA position 701, A replaced by G.
Protein change: p.Asn234Ser; replaces asparagine 234 with serine.
Molecular consequence: missense variant.
Genome position (GRCh38, 1-based): chr1:26,897,476, T>C on the plus strand (A>G on the coding strand, the complement: GPATCH3 is on the minus strand). VCF-style: chr1-26897476-T-C. GRCh37 (hg19) VCF-style: chr1-27223967-T-C.
Other names: short protein forms N234S.
Identifiers: ClinVar variation 3059663 (VCV003059663.4), dbSNP rs35243557, ClinGen allele CA709313.

ClinVar aggregate classification (germline): Likely benign. Review status: criteria provided, single submitter (1 of 4 stars). 2 submissions from 2 submitters: Likely benign (1). 1 of the submissions does not count toward it. Last evaluated 2026-04-01.

Conditions:
GPATCH3-related disorder. Also called: GPATCH3-related condition.

Allele frequency attached by ClinVar (database versions not stated): 1000 Genomes Project 0.00200; 1000 Genomes Project 30x 0.00203; gnomAD 0.00438; TOPMed 0.00452; ExAC 0.00465; ESP Exome Variant Server 0.00469; gnomAD exomes 0.00566.

Submissions (2):

CeGaT Center for Human Genetics Tuebingen
Classification: Likely benign. Last evaluated: 2026-04-01. Review status: criteria provided, single submitter. Criteria: CeGaT Center For Human Genetics Tuebingen Variant Classification Criteria Version 2. Collection method: clinical testing. Allele origin: germline. Affected: yes. Observed: 1 variant allele.
Comment: GPATCH3: BS2

PreventionGenetics, part of Exact Sciences
Classification: Likely benign for GPATCH3-related condition. Last evaluated: 2019-07-16. Review status: no assertion criteria provided. Collection method: clinical testing. Allele origin: germline. Not counted in ClinVar's aggregate classification.
Comment: This variant is classified as likely benign based on ACMG/AMP sequence variant interpretation guidelines (Richards et al. 2015 PMID: 25741868, with internal and published modifications).